The following is an entry in ClinVar:

ClinVar aggregate classification (germline): Uncertain significance (1 of 4 stars; one submission).

Conditions:
Ehlers-Danlos syndrome, classic type, 1 (EDSCL1). Also called: EHLERS-DANLOS SYNDROME, GRAVIS TYPE; EHLERS-DANLOS SYNDROME, SEVERE CLASSIC TYPE; Ehlers-Danlos syndrome, type 1; EDS I; Ehlers-Danlos Syndrome, Classic Type, COL5A1-Related. Identifiers: MedGen C0268335, MONDO:0019567, OMIM 130000.

Submission:

Labcorp Genetics (formerly Invitae), Labcorp
Classification: Uncertain significance for Ehlers-Danlos syndrome, classic type, 1. Last evaluated: 2022-06-22. Review status: criteria provided, single submitter. Criteria: Invitae Variant Classification Sherloc (09022015). Collection method: clinical testing. Allele origin: germline.
Comment: In summary, the available evidence is currently insufficient to determine the role of this variant in disease. Therefore, it has been classified as a Variant of Uncertain Significance. Algorithms developed to predict the effect of missense changes on protein structure and function (SIFT, PolyPhen-2, Align-GVGD) all suggest that this variant is likely to be disruptive. This variant has not been reported in the literature in individuals affected with COL5A2-related conditions. This variant is not present in population databases (gnomAD no frequency). This sequence change replaces glycine, which is neutral and non-polar, with arginine, which is basic and polar, at codon 486 of the COL5A2 protein (p.Gly486Arg).

NM_000393.5(COL5A2):c.1456G>A (p.Gly486Arg)

Gene: COL5A2 (collagen type V alpha 2 chain; minus strand). Cytogenetic location: 2q32.2.
Variant type: single nucleotide variant.
Coding change: c.1456G>A on transcript NM_000393.5 (MANE Select); coding-DNA position 1456, G replaced by A.
Protein change: p.Gly486Arg; replaces glycine 486 with arginine.
Molecular consequence: missense variant.
Genome position (GRCh38, 1-based): chr2:189,066,497, C>T on the plus strand (G>A on the coding strand, the complement: COL5A2 is on the minus strand). VCF-style: chr2-189066497-C-T. GRCh37 (hg19) VCF-style: chr2-189931223-C-T.
Other names: short protein forms G486R.
Identifiers: ClinVar variation 2009142 (VCV002009142.4), dbSNP rs2469306459, ClinGen allele CA349851599.